The following is an entry in ClinVar:

ClinVar aggregate classification (germline): Uncertain significance. Review status: criteria provided, multiple submitters, no conflicts (2 of 4 stars). 3 submissions from 3 submitters: Uncertain significance (3). Last evaluated 2025-07-15.

Allele frequency attached by ClinVar (database versions not stated): gnomAD 0.00003; TOPMed 0.00006; ExAC 0.00008; ESP Exome Variant Server 0.00008; gnomAD exomes 0.00008 and 0.00009.
gnomAD v4.1: 139 of 1,613,174 alleles (0.0086%); highest among the groups gnomAD compares: Non-Finnish European, 0.011%; no homozygotes.

Submissions (3):

Ambry Genetics
Classification: Uncertain significance. Last evaluated: 2025-07-15. Review status: criteria provided, single submitter. Criteria: Ambry Variant Classification Scheme 2023. Collection method: clinical testing. Allele origin: germline.

Labcorp Genetics (formerly Invitae), Labcorp
Classification: Uncertain significance. Last evaluated: 2022-02-10. Review status: criteria provided, single submitter. Criteria: Invitae Variant Classification Sherloc (09022015). Collection method: clinical testing. Allele origin: germline.
Comment: This sequence change replaces glutamic acid, which is acidic and polar, with lysine, which is basic and polar, at codon 1333 of the NIN protein (p.Glu1333Lys). In summary, the available evidence is currently insufficient to determine the role of this variant in disease. Therefore, it has been classified as a Variant of Uncertain Significance. Algorithms developed to predict the effect of missense changes on protein structure and function are either unavailable or do not agree on the potential impact of this missense change (SIFT: "Deleterious"; PolyPhen-2: "Benign"; Align-GVGD: "Class C0"). ClinVar contains an entry for this variant (Variation ID: 211611). This variant has not been reported in the literature in individuals affected with NIN-related conditions. This variant is present in population databases (rs369577037, gnomAD 0.01%).

Genetic Services Laboratory, University of Chicago
Classification: Uncertain significance. Last evaluated: 2015-01-22. Review status: criteria provided, single submitter. Criteria: ACMG Guidelines, 2015. Collection method: clinical testing. Allele origin: germline.

NM_020921.4(NIN):c.3997G>A (p.Glu1333Lys)

Gene: NIN (ninein; minus strand). Cytogenetic location: 14q22.1.
Variant type: single nucleotide variant.
Coding change: c.3997G>A on transcript NM_020921.4 (MANE Select); coding-DNA position 3997, G replaced by A.
Protein change: p.Glu1333Lys; replaces glutamic acid 1333 with lysine.
Molecular consequence: missense variant. On other transcripts: intron variant (1).
Genome position (GRCh38, 1-based): chr14:50,757,033, C>T on the plus strand (G>A on the coding strand, the complement: NIN is on the minus strand). VCF-style: chr14-50757033-C-T. GRCh37 (hg19) VCF-style: chr14-51223751-C-T.
Other names: c.3997G>A, p.Glu1333Lys (NM_182944.3, NM_182946.2); c.2400-2166G>A (NM_016350.5); short protein forms E1333K.
Identifiers: ClinVar variation 211611 (VCV000211611.11), dbSNP rs369577037, ClinGen allele CA209888.